The following is an entry in ClinVar:

ClinVar aggregate classification (germline): Uncertain significance (1 of 4 stars; one submission).

Conditions:
Myofibrillar myopathy 5. Also called: Filaminopathy (type); FILAMINOPATHY, AUTOSOMAL DOMINANT. Identifiers: Orphanet 171445, MedGen C1836050, MONDO:0012289, OMIM 609524.
Distal myopathy with posterior leg and anterior hand involvement. Also called: WILLIAMS DISTAL MYOPATHY. Identifiers: Orphanet 63273, MedGen C3279722, MONDO:0013550, OMIM 614065.
Hypertrophic cardiomyopathy 26. Also called: Cardiomyopathy, familial hypertrophic, 26. Identifiers: Orphanet 75249, MedGen C4310749, MONDO:0014883, OMIM 617047.

Submission:

Labcorp Genetics (formerly Invitae), Labcorp
Classification: Uncertain significance for Distal myopathy with posterior leg and anterior hand involvement; Myofibrillar myopathy 5; Hypertrophic cardiomyopathy 26. Last evaluated: 2025-05-11. Review status: criteria provided, single submitter. Criteria: Invitae Variant Classification Sherloc (09022015). Collection method: clinical testing. Allele origin: germline.
Comment: This sequence change replaces glutamic acid, which is acidic and polar, with lysine, which is basic and polar, at codon 1374 of the FLNC protein (p.Glu1374Lys). This variant is not present in population databases (gnomAD no frequency). This variant has not been reported in the literature in individuals affected with FLNC-related conditions. ClinVar contains an entry for this variant (Variation ID: 1721157). Invitae Evidence Modeling of protein sequence and biophysical properties (such as structural, functional, and spatial information, amino acid conservation, physicochemical variation, residue mobility, and thermodynamic stability) has been performed for this missense variant. However, the output from this modeling did not meet the statistical confidence thresholds required to predict the impact of this variant on FLNC protein function. In summary, the available evidence is currently insufficient to determine the role of this variant in disease. Therefore, it has been classified as a Variant of Uncertain Significance.

NM_001458.5(FLNC):c.4120G>A (p.Glu1374Lys)

Gene: FLNC (filamin C; plus strand). Cytogenetic location: 7q32.1.
Variant type: single nucleotide variant.
Coding change: c.4120G>A on transcript NM_001458.5 (MANE Select); coding-DNA position 4120, G replaced by A.
Protein change: p.Glu1374Lys; replaces glutamic acid 1374 with lysine.
Molecular consequence: missense variant.
Genome position (GRCh38, 1-based): chr7:128,846,456, G>A. VCF-style: chr7-128846456-G-A. GRCh37 (hg19) VCF-style: chr7-128486510-G-A.
Other names: c.4120G>A, p.Glu1374Lys (NM_001127487.2); short protein forms E1374K.
Identifiers: ClinVar variation 1721157 (VCV001721157.6), dbSNP rs2536642475, ClinGen allele CA369199155.